The following is an entry in ClinVar:

NM_003000.3(SDHB):c.737T>C (p.Ile246Thr)

Gene: SDHB (succinate dehydrogenase complex iron sulfur subunit B; minus strand). Cytogenetic location: 1p36.13.
Variant type: single nucleotide variant.
Coding change: c.737T>C on transcript NM_003000.3 (MANE Select); coding-DNA position 737, T replaced by C.
Protein change: p.Ile246Thr; replaces isoleucine 246 with threonine.
Molecular consequence: missense variant.
Genome position (GRCh38, 1-based): chr1:17,022,636, A>G on the plus strand (T>C on the coding strand, the complement: SDHB is on the minus strand). VCF-style: chr1-17022636-A-G. GRCh37 (hg19) VCF-style: chr1-17349131-A-G.
Other names: short protein forms I246T.
Identifiers: ClinVar variation 827005 (VCV000827005.5), dbSNP rs1570944778, ClinGen allele CA338270113.

ClinVar aggregate classification (germline): Uncertain significance (1 of 4 stars; one submission).

Conditions:
Hereditary cancer-predisposing syndrome. Also called: Neoplastic Syndromes, Hereditary; Tumor predisposition; Hereditary neoplastic syndrome; Hereditary Cancer Syndrome. Identifiers: Orphanet 140162, MedGen C0027672, MeSH D009386, MONDO:0015356.

Submission:

Ambry Genetics
Classification: Uncertain significance for Hereditary cancer-predisposing syndrome. Last evaluated: 2025-03-13. Review status: criteria provided, single submitter. Criteria: Ambry Variant Classification Scheme 2023. Collection method: clinical testing. Allele origin: germline.
Comment: The p.I246T variant (also known as c.737T>C), located in coding exon 7 of the SDHB gene, results from a T to C substitution at nucleotide position 737. The isoleucine at codon 246 is replaced by threonine, an amino acid with similar properties. This amino acid position is highly conserved in available vertebrate species. In addition, this alteration is predicted to be deleterious by in silico analysis. Based on the available evidence, the clinical significance of this variant remains unclear.